The following is an entry in ClinVar:

NM_000206.3(IL2RG):c.707A>G (p.His236Arg)

Gene: IL2RG (interleukin 2 receptor subunit gamma; minus strand). Cytogenetic location: Xq13.1.
Variant type: single nucleotide variant.
Coding change: c.707A>G on transcript NM_000206.3 (MANE Select); coding-DNA position 707, A replaced by G.
Protein change: p.His236Arg; replaces histidine 236 with arginine.
Molecular consequence: missense variant.
Genome position (GRCh38, 1-based): chrX:71,109,278, T>C on the plus strand (A>G on the coding strand, the complement: IL2RG is on the minus strand). VCF-style: chrX-71109278-T-C. GRCh37 (hg19) VCF-style: chrX-70329128-T-C.
Other names: short protein forms H236R.
Identifiers: ClinVar variation 2660840 (VCV002660840.24), dbSNP rs1218856877, ClinGen allele CA413495921.

ClinVar aggregate classification (germline): Uncertain significance (1 of 4 stars; one submission).

Submission:

CeGaT Center for Human Genetics Tuebingen
Classification: Uncertain significance. Last evaluated: 2022-09-01. Review status: criteria provided, single submitter. Criteria: CeGaT Center For Human Genetics Tuebingen Variant Classification Criteria Version 2. Collection method: clinical testing. Allele origin: germline. Affected: yes. Observed: 1 variant allele.
Comment: IL2RG: PM2